The following is an entry in ClinVar:

NM_001267550.2(TTN):c.6462C>G (p.Ile2154Met)

Gene: TTN (titin; minus strand). Cytogenetic location: 2q31.2.
Variant type: single nucleotide variant.
Coding change: c.6462C>G on transcript NM_001267550.2 (MANE Select); coding-DNA position 6462, C replaced by G.
Protein change: p.Ile2154Met; replaces isoleucine 2154 with methionine.
Molecular consequence: missense variant.
Genome position (GRCh38, 1-based): chr2:178,775,402, G>C on the plus strand (C>G on the coding strand, the complement: TTN is on the minus strand). VCF-style: chr2-178775402-G-C. GRCh37 (hg19) VCF-style: chr2-179640129-G-C.
Other names: p.I2154M:ATC>ATG; c.6462C>G, p.Ile2154Met (NM_001256850.1, NM_133378.4, NM_133379.5); c.6324C>G, p.Ile2108Met (NM_003319.4, NM_133432.3, NM_133437.4); short protein forms I2154M, I2108M.
Identifiers: ClinVar variation 203146 (VCV000203146.4), dbSNP rs780879621, ClinGen allele CA311434.

ClinVar aggregate classification (germline): Conflicting classifications of pathogenicity. Review status: criteria provided, conflicting classifications (1 of 4 stars). 4 submissions from 4 submitters: Uncertain significance (2); Likely benign (1). 1 of the submissions does not count toward it. Last evaluated 2025-05-19.

Conditions:
Cardiomyopathy (CMYO). Also called: Cardiomyopathies. Identifiers: Orphanet 167848, MedGen C0878544, MONDO:0004994, HP:0001638. Inheritance: Various modes of inheritance.

Allele frequency attached by ClinVar (database versions not stated): TOPMed 0.00001; ExAC 0.00001; gnomAD exomes 0.00001.
gnomAD v4.1: 4 of 1,614,030 alleles (0.00025%); highest among the groups gnomAD compares: Admixed American, 0.0067%; no homozygotes.

Submissions (4):

Revvity Omics, Revvity
Classification: Uncertain significance. Last evaluated: 2025-05-19. Review status: criteria provided, single submitter. Criteria: ACMG Guidelines, 2015. Collection method: clinical testing. Allele origin: germline.

Women's Health and Genetics/Laboratory Corporation of America, LabCorp
Classification: Uncertain significance. Last evaluated: 2024-01-16. Review status: criteria provided, single submitter. Criteria: LabCorp Variant Classification Summary - May 2015. Collection method: clinical testing. Allele origin: germline.
Comment: Variant summary: TTN c.6462C>G (p.Ile2154Met) results in a conservative amino acid change located in the near Z-disk / I-band of the encoded protein sequence. Five of five in-silico tools predict a benign effect of the variant on protein function. The variant allele was found at a frequency of 8e-06 in 250940 control chromosomes. The available data on variant occurrences in the general population are insufficient to allow any conclusion about variant significance. To our knowledge, no occurrence of c.6462C>G in individuals affected with Limb-Girdle Muscular Dystrophy, Type 2J and no experimental evidence demonstrating its impact on protein function have been reported. ClinVar contains an entry for this variant (Variation ID: 203146). Based on the evidence outlined above, the variant was classified as uncertain significance.

Center for Advanced Laboratory Medicine, UC San Diego Health, University of California San Diego
Classification: Likely benign for Cardiomyopathy. Last evaluated: 2019-06-11. Review status: criteria provided, single submitter. Criteria: ACMG Guidelines, 2015. Collection method: clinical testing. Allele origin: germline. Affected: yes. Observed: 1 variant allele.

GeneDx
No classification provided. Last evaluated: 2012-12-20. Review status: no classification provided. Criteria: GeneDx Variant Classification (06012015). Collection method: clinical testing. Allele origin: germline. Affected: yes. Not counted in ClinVar's aggregate classification.
Comment: Missense variants in the TTN gene are considered 'unclassified' if they are not previously reported in the literature and do not have >1% frequency in the population to be considered a polymorphism. Research indicates that truncating mutations in the TTN gene are expected to account for approximately 25% of familial and 18% of sporadic idiopathic DCM; however, truncating variants in the TTN gene have been reported in approximately 3% of reported control alleles. There has been little investigation into non-truncating variants. (Herman D et al. Truncations of titin causing dilated cardiomyopathy. N Eng J Med 366:619-628, 2012) The variant is found in DCM panel(s).